The following is an entry in ClinVar:

ClinVar aggregate classification (germline): Conflicting classifications of pathogenicity. Review status: criteria provided, conflicting classifications (1 of 4 stars). 2 submissions from 2 submitters: Uncertain significance (1); Likely benign (1). Last evaluated 2025-11-06.

Conditions:
Inborn genetic diseases. Identifiers: MedGen C0950123, MeSH D030342.
Inflammatory bowel disease 28. Also called: Inflammatory bowel disease 28, early onset, autosomal recessive. Identifiers: Orphanet 238569, MedGen C2751053, MONDO:0013153, OMIM 613148.

Allele frequency attached by ClinVar (database versions not stated): ExAC 0.00001; gnomAD 0.00001; TOPMed 0.00001; gnomAD exomes 0.00003; ESP Exome Variant Server 0.00008.

Submissions (2):

Ambry Genetics
Classification: Likely benign for Inborn genetic diseases. Last evaluated: 2025-11-06. Review status: criteria provided, single submitter. Criteria: Ambry Variant Classification Scheme 2023. Collection method: clinical testing. Allele origin: germline.

Labcorp Genetics (formerly Invitae), Labcorp
Classification: Uncertain significance for Inflammatory bowel disease 28. Last evaluated: 2023-08-04. Review status: criteria provided, single submitter. Criteria: Invitae Variant Classification Sherloc (09022015). Collection method: clinical testing. Allele origin: germline.
Comment: ClinVar contains an entry for this variant (Variation ID: 1936545). This sequence change replaces serine, which is neutral and polar, with glycine, which is neutral and non-polar, at codon 532 of the IL10RA protein (p.Ser532Gly). This variant is present in population databases (rs376629999, gnomAD 0.0009%). This variant has not been reported in the literature in individuals affected with IL10RA-related conditions. Advanced modeling of protein sequence and biophysical properties (such as structural, functional, and spatial information, amino acid conservation, physicochemical variation, residue mobility, and thermodynamic stability) performed at Invitae indicates that this missense variant is not expected to disrupt IL10RA protein function. In summary, the available evidence is currently insufficient to determine the role of this variant in disease. Therefore, it has been classified as a Variant of Uncertain Significance.

NM_001558.4(IL10RA):c.1594A>G (p.Ser532Gly)

Gene: IL10RA (interleukin 10 receptor subunit alpha; plus strand). Cytogenetic location: 11q23.3.
Variant type: single nucleotide variant.
Coding change: c.1594A>G on transcript NM_001558.4 (MANE Select); coding-DNA position 1594, A replaced by G.
Protein change: p.Ser532Gly; replaces serine 532 with glycine.
Molecular consequence: missense variant. On other transcripts: non-coding transcript variant (1).
Genome position (GRCh38, 1-based): chr11:117,999,498, A>G. VCF-style: chr11-117999498-A-G. GRCh37 (hg19) VCF-style: chr11-117870213-A-G.
Other names: short protein forms S532G.
Identifiers: ClinVar variation 1936545 (VCV001936545.4), dbSNP rs376629999, ClinGen allele CA6299211.